The following is an entry in ClinVar:

ClinVar aggregate classification (germline): Uncertain significance. Review status: criteria provided, multiple submitters, no conflicts (2 of 4 stars). 3 submissions from 3 submitters: Uncertain significance (2). 1 of the submissions does not count toward it. Last evaluated 2024-01-18.

Conditions:
HEMOGLOBIN TA-LI.

Allele frequency attached by ClinVar (database versions not stated): gnomAD exomes below 0.00001; ExAC 0.00001.
gnomAD v4.1: 1 of 1,614,094 alleles (0.000062%); highest among the groups gnomAD compares: Non-Finnish European, 0.000085%; no homozygotes.

Submissions (3):

ARUP Laboratories, Molecular Genetics and Genomics, ARUP Laboratories
Classification: Uncertain significance. Last evaluated: 2024-01-18. Review status: criteria provided, single submitter. Criteria: ARUP Molecular Germline Variant Investigation Process 2024. Collection method: clinical testing. Allele origin: germline.
Comment: The Hb Ta-Li variant (HBB: c.250G>T; p.Gly84Cys, also known as Gly83Cys when numbered from the mature protein, rs33930385, HbVar ID: 410) is reported in the literature in several related individuals with no apparent anemia (Blackwell 1971, HbVar database). This variant is only observed on one allele in the Genome Aggregation Database (v2.1.1), indicating it is not a common polymorphism. Computational analyses are uncertain whether this variant is neutral or deleterious (REVEL: 0.612). A heat stability assay suggests it may be mildly unstable (Blackwell 1971). Further, biochemical characterization indicates that the variant protein oligomerizes through formation of intermolecular disulfide bonds (Fablet 2003, Rai 2002), although these oligomers display normal binding kinetics to carbon monoxide (Fablet 2003). However, as the full functional and clinical effects of this variant have not been characterized, the clinical significance of the p.Gly84Cys variant is uncertain at this time. References: HbVar database: Blackwell RQ et al. Hemoglobin Ta-Li: 83 Gly leads to Cys. Biochim Biophys Acta. 1971 Sep 28;243(3):467-74. PMID: 5129589. Fablet C et al. Stable octameric structure of recombinant hemoglobin alpha(2)beta(2)83 Gly-->Cys. Protein Sci. 2003 Apr;12(4):690-5. PMID: 12649426. Rai DK et al. Characterization of the elusive disulfide bridge forming human Hb variant: Hb Ta-Li beta83 (EF7)Gly --> Cys by electrospray mass spectrometry. J Am Soc Mass Spectrom. 2002 Feb;13(2):187-91. PMID: 11838022.

Quest Diagnostics Nichols Institute San Juan Capistrano
Classification: Uncertain significance. Last evaluated: 2019-07-18. Review status: criteria provided, single submitter. Criteria: Quest Diagnostics criteria. Collection method: clinical testing. Allele origin: germline.

OMIM
Classification: other for HEMOGLOBIN TA-LI. Last evaluated: 2017-12-12. Review status: no assertion criteria provided. Collection method: literature only. Allele origin: germline. Not counted in ClinVar's aggregate classification.

Literature cited by the submitters: PubMed 5129589 (cited by Quest Diagnostics Nichols Institute San Juan Capistrano); PubMed 5415584 (cited by OMIM).

NM_000518.5(HBB):c.250G>T (p.Gly84Cys)

Genes: HBB (hemoglobin subunit beta; minus strand), LOC106099062 (HBB recombination region; plus strand), LOC107133510 (origin of replication at HBB; plus strand). Cytogenetic location: 11p15.4.
Variant type: single nucleotide variant.
Coding change: c.250G>T on transcript NM_000518.5 (MANE Select); coding-DNA position 250, G replaced by T.
Protein change: p.Gly84Cys; replaces glycine 84 with cysteine.
Molecular consequence: missense variant.
Genome position (GRCh38, 1-based): chr11:5,226,642, C>A on the plus strand (G>T on the coding strand, the complement: HBB is on the minus strand). VCF-style: chr11-5226642-C-A. GRCh37 (hg19) VCF-style: chr11-5247872-C-A.
Other names: G83C; short protein forms G84C.
Identifiers: ClinVar variation 15367 (VCV000015367.6), dbSNP rs33930385, ClinGen allele CA125194.
Genomic context (GRCh38, chr11:5,226,642, plus strand): 5'-AGTTCTCAGGATCCACGTGCAGCTTGTCACAGTGCAGCTCACTCAGTGTGGCAAAGGTGC[C>A]CTTGAGGTTGTCCAGGTGAGCCAGGCCATCACTAAAGGCACCGAGCACTTTCTTGCCATG-3'
Protein context (NP_000509.1, residues 74-94): DGLAHLDNLK[Gly84Cys]TFATLSELHC